The following is an entry in ClinVar:

ClinVar aggregate classification (germline): Uncertain significance (1 of 4 stars; one submission).

Submission:

Ambry Genetics
Classification: Uncertain significance. Last evaluated: 2021-10-30. Review status: criteria provided, single submitter. Criteria: Ambry Variant Classification Scheme 2023. Collection method: clinical testing. Allele origin: germline.
Comment: The p.K34T variant (also known as c.101A>C), located in coding exon 2 of the RPS20 gene, results from an A to C substitution at nucleotide position 101. The lysine at codon 34 is replaced by threonine, an amino acid with similar properties. This amino acid position is conserved. In addition, this alteration is predicted to be deleterious by in silico analysis. Since supporting evidence is limited at this time, the clinical significance of this alteration remains unclear.

NM_001023.4(RPS20):c.101A>C (p.Lys34Thr)

Gene: RPS20 (ribosomal protein S20; minus strand). Cytogenetic location: 8q12.1.
Variant type: single nucleotide variant.
Coding change: c.101A>C on transcript NM_001023.4 (MANE Select); coding-DNA position 101, A replaced by C.
Protein change: p.Lys34Thr; replaces lysine 34 with threonine.
Molecular consequence: missense variant.
Genome position (GRCh38, 1-based): chr8:56,074,062, T>G on the plus strand (A>C on the coding strand, the complement: RPS20 is on the minus strand). VCF-style: chr8-56074062-T-G. GRCh37 (hg19) VCF-style: chr8-56986621-T-G.
Other names: c.101A>C, p.Lys34Thr (NM_001146227.3); short protein forms K34T.
Identifiers: ClinVar variation 1754028 (VCV001754028.2), dbSNP rs2486985215, ClinGen allele CA371283660.